The following is an entry in ClinVar:

ClinVar aggregate classification (germline): Uncertain significance (1 of 4 stars; one submission).

Allele frequency attached by ClinVar (database versions not stated): gnomAD 0.00001.
gnomAD v4.1: 1 of 1,614,012 alleles (0.000062%); highest among the groups gnomAD compares: African/African-American, 0.0013%; no homozygotes.

Submission:

Labcorp Genetics (formerly Invitae), Labcorp
Classification: Uncertain significance. Last evaluated: 2023-01-07. Review status: criteria provided, single submitter. Criteria: Invitae Variant Classification Sherloc (09022015). Collection method: clinical testing. Allele origin: germline.
Comment: In summary, the available evidence is currently insufficient to determine the role of this variant in disease. Therefore, it has been classified as a Variant of Uncertain Significance. Advanced modeling of protein sequence and biophysical properties (such as structural, functional, and spatial information, amino acid conservation, physicochemical variation, residue mobility, and thermodynamic stability) performed at Invitae indicates that this missense variant is not expected to disrupt OTULIN protein function. This variant has not been reported in the literature in individuals affected with OTULIN-related conditions. This variant is not present in population databases (gnomAD no frequency). This sequence change replaces alanine, which is neutral and non-polar, with valine, which is neutral and non-polar, at codon 138 of the OTULIN protein (p.Ala138Val).

NM_138348.6(OTULIN):c.413C>T (p.Ala138Val)

Gene: OTULIN (OTU deubiquitinase with linear linkage specificity; plus strand). Cytogenetic location: 5p15.2.
Variant type: single nucleotide variant.
Coding change: c.413C>T on transcript NM_138348.6 (MANE Select); coding-DNA position 413, C replaced by T.
Protein change: p.Ala138Val; replaces alanine 138 with valine.
Molecular consequence: missense variant.
Genome position (GRCh38, 1-based): chr5:14,681,552, C>T. VCF-style: chr5-14681552-C-T. GRCh37 (hg19) VCF-style: chr5-14681661-C-T.
Other names: short protein forms A138V.
Identifiers: ClinVar variation 3007889 (VCV003007889.3), dbSNP rs1474506770, ClinGen allele CA359242999.
Genomic context (GRCh38, chr5:14,681,552, plus strand): 5'-CCTCCATACGGCGAGTCCGTGGTGATAATTACTGTGCACTGAGGGCCACGCTGTTCCAGG[C>T]CATGAGCCAGGCTGTGGGGCTGCCGCCCTGGCTGCAGGACCCGGAGCTCATGCTGGTACG-3'
Protein context (NP_612357.4, residues 128-148): YCALRATLFQ[Ala138Val]MSQAVGLPPW